The following is an entry in ClinVar:

ClinVar aggregate classification (germline): Benign/Likely benign. Review status: criteria provided, multiple submitters, no conflicts (2 of 4 stars). 7 submissions from 7 submitters: Benign (1); Likely benign (5). 1 of the submissions does not count toward it. Last evaluated 2026-02-03.

Conditions:
TRAPPC9-related disorder. Also called: TRAPPC9-related condition.
Inborn genetic diseases. Identifiers: MedGen C0950123, MeSH D030342.

Allele frequency attached by ClinVar (database versions not stated): 1000 Genomes Project 30x 0.00094; 1000 Genomes Project 0.00100; ESP Exome Variant Server 0.00131; gnomAD 0.00151 and 0.00152; TOPMed 0.00159; ExAC 0.00337.
gnomAD v4.1: 3,407 of 1,574,250 alleles (0.22%); highest among the groups gnomAD compares: Non-Finnish European, 0.24%; 7 homozygotes.

Submissions (7):

Labcorp Genetics (formerly Invitae), Labcorp
Classification: Benign. Last evaluated: 2026-02-03. Review status: criteria provided, single submitter. Criteria: Invitae Variant Classification Sherloc (09022015). Collection method: clinical testing. Allele origin: germline.

Blueprint Genetics
Classification: Likely benign. Last evaluated: 2024-11-26. Review status: criteria provided, single submitter. Criteria: ACMG Guidelines, 2015. Collection method: clinical testing. Allele origin: germline.

CeGaT Center for Human Genetics Tuebingen
Classification: Likely benign. Last evaluated: 2022-05-01. Review status: criteria provided, single submitter. Criteria: CeGaT Center For Human Genetics Tuebingen Variant Classification Criteria Version 2. Collection method: clinical testing. Allele origin: germline. Affected: yes. Observed: 3 variant alleles.
Comment: TRAPPC9: BP4

GeneDx
Classification: Likely benign. Last evaluated: 2021-02-20. Review status: criteria provided, single submitter. Criteria: GeneDx Variant Classification Process June 2021. Collection method: clinical testing. Allele origin: germline. Affected: yes.

Genetic Services Laboratory, University of Chicago
Classification: Likely benign. Last evaluated: 2018-08-08. Review status: criteria provided, single submitter. Criteria: ACMG Guidelines, 2015. Collection method: clinical testing. Allele origin: germline. Affected: no.

Ambry Genetics
Classification: Likely benign for Inborn genetic diseases. Last evaluated: 2016-09-16. Review status: criteria provided, single submitter. Criteria: Ambry Variant Classification Scheme 2023. Collection method: clinical testing. Allele origin: germline.

PreventionGenetics, part of Exact Sciences
Classification: Likely benign for TRAPPC9-related condition. Last evaluated: 2021-10-06. Review status: no assertion criteria provided. Collection method: clinical testing. Allele origin: germline. Not counted in ClinVar's aggregate classification.
Comment: This variant is classified as likely benign based on ACMG/AMP sequence variant interpretation guidelines (Richards et al. 2015 PMID: 25741868, with internal and published modifications).

NM_001160372.4(TRAPPC9):c.3012C>T (p.Asn1004=)

Gene: TRAPPC9 (trafficking protein particle complex subunit 9; minus strand). Cytogenetic location: 8q24.3.
Variant type: single nucleotide variant.
Coding change: c.3012C>T on transcript NM_001160372.4 (MANE Select); coding-DNA position 3012, C replaced by T.
Protein change: p.Asn1004=; no amino-acid change (asparagine 1004 retained).
Molecular consequence: synonymous variant. On other transcripts: non-coding transcript variant (1).
Genome position (GRCh38, 1-based): chr8:139,885,922, G>A on the plus strand (C>T on the coding strand, the complement: TRAPPC9 is on the minus strand). VCF-style: chr8-139885922-G-A. GRCh37 (hg19) VCF-style: chr8-140898166-G-A.
Other names: c.2985C>T, p.Asn995= (NM_001321646.2); c.3033C>T, p.Asn1011= (NM_001374682.1); c.2901C>T, p.Asn967= (NM_001374683.1); c.2868C>T, p.Asn956= (NM_001374684.1); c.3012C>T, p.Asn1004= (NM_031466.8).
Identifiers: ClinVar variation 212428 (VCV000212428.63), dbSNP rs148805943, ClinGen allele CA206454.
Genomic context (GRCh38, chr8:139,885,922, plus strand): 5'-GGCTGGCGGGTACTCACCCCACTGCAGAGGCGCCAGCTGCAGGTGCTCCAGGACGAGCTG[G>A]TTCAGGAGTCCTTCCACACTCGCCTCGCCACTGCGCTTCAGGGAGGGGTGAGCCTTGGTC-3'
Protein context (NP_001153844.1, residues 994-1014): SGEASVEGLL[Asn1004=]QLVLEHLQLA